The following is an entry in ClinVar:

NM_002156.5(HSPD1):c.467A>G (p.Lys156Arg)

Gene: HSPD1 (heat shock protein family D (Hsp60) member 1; minus strand). Cytogenetic location: 2q33.1.
Variant type: single nucleotide variant.
Coding change: c.467A>G on transcript NM_002156.5 (MANE Select); coding-DNA position 467, A replaced by G.
Protein change: p.Lys156Arg; replaces lysine 156 with arginine.
Molecular consequence: missense variant.
Genome position (GRCh38, 1-based): chr2:197,495,337, T>C on the plus strand (A>G on the coding strand, the complement: HSPD1 is on the minus strand). VCF-style: chr2-197495337-T-C. GRCh37 (hg19) VCF-style: chr2-198360061-T-C.
Other names: c.467A>G, p.Lys156Arg (NM_199440.2); short protein forms K156R.
Identifiers: ClinVar variation 2051309 (VCV002051309.4), dbSNP rs550968901, ClinGen allele CA2043603.

ClinVar aggregate classification (germline): Uncertain significance (1 of 4 stars; one submission).

Conditions:
Spastic paraplegia. Identifiers: MedGen C0037772, HP:0001258.

Allele frequency attached by ClinVar (database versions not stated): TOPMed 0.00001; gnomAD 0.00003; gnomAD exomes 0.00007; ExAC 0.00014.
gnomAD v4.1: 104 of 1,611,532 alleles (0.0065%); highest among the groups gnomAD compares: South Asian, 0.11%; no homozygotes.

Submission:

Labcorp Genetics (formerly Invitae), Labcorp
Classification: Uncertain significance for Spastic paraplegia. Last evaluated: 2025-08-30. Review status: criteria provided, single submitter. Criteria: Invitae Variant Classification Sherloc (09022015). Collection method: clinical testing. Allele origin: germline.
Comment: This sequence change replaces lysine, which is basic and polar, with arginine, which is basic and polar, at codon 156 of the HSPD1 protein (p.Lys156Arg). This variant is present in population databases (rs550968901, gnomAD 0.1%). This variant has not been reported in the literature in individuals affected with HSPD1-related conditions. ClinVar contains an entry for this variant (Variation ID: 2051309). Invitae Evidence Modeling of protein sequence and biophysical properties (such as structural, functional, and spatial information, amino acid conservation, physicochemical variation, residue mobility, and thermodynamic stability) indicates that this missense variant is not expected to disrupt HSPD1 protein function with a negative predictive value of 80%. In summary, the available evidence is currently insufficient to determine the role of this variant in disease. Therefore, it has been classified as a Variant of Uncertain Significance.